The following is an entry in ClinVar:

NM_015978.3(TNNI3K):c.1453A>G (p.Lys485Glu)

Genes: FPGT-TNNI3K (FPGT-TNNI3K readthrough; plus strand), TNNI3K (TNNI3 interacting kinase; plus strand). Cytogenetic location: 1p31.1.
Variant type: single nucleotide variant.
Coding change: c.1453A>G on transcript NM_015978.3 (MANE Select); coding-DNA position 1453, A replaced by G.
Protein change: p.Lys485Glu; replaces lysine 485 with glutamic acid.
Molecular consequence: missense variant.
Genome position (GRCh38, 1-based): chr1:74,369,245, A>G. VCF-style: chr1-74369245-A-G. GRCh37 (hg19) VCF-style: chr1-74834929-A-G.
Other names: c.1756A>G, p.Lys586Glu (NM_001112808.3, NM_001199327.2); short protein forms K586E, K485E.
Identifiers: ClinVar variation 2732227 (VCV002732227.3), dbSNP rs1461251722, ClinGen allele CA340785995.

ClinVar aggregate classification (germline): Uncertain significance (1 of 4 stars; one submission).

Allele frequency attached by ClinVar (database versions not stated): gnomAD 0.00001; TOPMed 0.00001.
gnomAD v4.1: 2 of 1,612,080 alleles (0.00012%); highest among the groups gnomAD compares: Non-Finnish European, 0.00017%; no homozygotes.

Submission:

Labcorp Genetics (formerly Invitae), Labcorp
Classification: Uncertain significance. Last evaluated: 2025-12-08. Review status: criteria provided, single submitter. Criteria: Invitae Variant Classification Sherloc (09022015). Collection method: clinical testing. Allele origin: germline.
Comment: This sequence change replaces lysine, which is basic and polar, with glutamic acid, which is acidic and polar, at codon 485 of the TNNI3K protein (p.Lys485Glu). This variant is not present in population databases (gnomAD no frequency). This variant has not been reported in the literature in individuals affected with TNNI3K-related conditions. ClinVar contains an entry for this variant (Variation ID: 2732227). Invitae Evidence Modeling of protein sequence and biophysical properties (such as structural, functional, and spatial information, amino acid conservation, physicochemical variation, residue mobility, and thermodynamic stability) indicates that this missense variant is not expected to disrupt TNNI3K protein function with a negative predictive value of 80%. In summary, the available evidence is currently insufficient to determine the role of this variant in disease. Therefore, it has been classified as a Variant of Uncertain Significance.